The following is an entry in ClinVar:

ClinVar aggregate classification (germline): Uncertain significance (1 of 4 stars; one submission).

Allele frequency attached by ClinVar (database versions not stated): gnomAD exomes 0.00001 and 0.00002; ExAC 0.00002; TOPMed 0.00002; gnomAD 0.00003; ESP Exome Variant Server 0.00008.
gnomAD v4.1: 7 of 1,613,178 alleles (0.00043%); highest among the groups gnomAD compares: African/African-American, 0.0093%; no homozygotes.

Submission:

Labcorp Genetics (formerly Invitae), Labcorp
Classification: Uncertain significance. Last evaluated: 2024-10-29. Review status: criteria provided, single submitter. Criteria: Invitae Variant Classification Sherloc (09022015). Collection method: clinical testing. Allele origin: germline.
Comment: This sequence change replaces isoleucine, which is neutral and non-polar, with valine, which is neutral and non-polar, at codon 230 of the ACO2 protein (p.Ile230Val). This variant is present in population databases (rs376654323, gnomAD 0.02%). This variant has not been reported in the literature in individuals affected with ACO2-related conditions. ClinVar contains an entry for this variant (Variation ID: 1418745). Invitae Evidence Modeling of protein sequence and biophysical properties (such as structural, functional, and spatial information, amino acid conservation, physicochemical variation, residue mobility, and thermodynamic stability) indicates that this missense variant is not expected to disrupt ACO2 protein function with a negative predictive value of 80%. In summary, the available evidence is currently insufficient to determine the role of this variant in disease. Therefore, it has been classified as a Variant of Uncertain Significance.

NM_001098.3(ACO2):c.688A>G (p.Ile230Val)

Gene: ACO2 (aconitase 2; plus strand). Cytogenetic location: 22q13.2.
Variant type: single nucleotide variant.
Coding change: c.688A>G on transcript NM_001098.3 (MANE Select); coding-DNA position 688, A replaced by G.
Protein change: p.Ile230Val; replaces isoleucine 230 with valine.
Molecular consequence: missense variant.
Genome position (GRCh38, 1-based): chr22:41,515,770, A>G. VCF-style: chr22-41515770-A-G. GRCh37 (hg19) VCF-style: chr22-41911774-A-G.
Other names: short protein forms I230V.
Identifiers: ClinVar variation 1418745 (VCV001418745.7), dbSNP rs376654323, ClinGen allele CA10257430.